The following is an entry in ClinVar:

ClinVar aggregate classification (germline): Uncertain significance (1 of 4 stars; one submission).

gnomAD v4.1: 1 of 1,613,426 alleles (0.000062%); highest among the groups gnomAD compares: Admixed American, 0.0017%; no homozygotes.

Submission:

Labcorp Genetics (formerly Invitae), Labcorp
Classification: Uncertain significance. Last evaluated: 2024-11-19. Review status: criteria provided, single submitter. Criteria: Invitae Variant Classification Sherloc (09022015). Collection method: clinical testing. Allele origin: germline.
Comment: This sequence change replaces leucine, which is neutral and non-polar, with valine, which is neutral and non-polar, at codon 521 of the TNK2 protein (p.Leu521Val). This variant is not present in population databases (gnomAD no frequency). This variant has not been reported in the literature in individuals affected with TNK2-related conditions. An algorithm developed to predict the effect of missense changes on protein structure and function (PolyPhen-2) suggests that this variant is likely to be disruptive. In summary, the available evidence is currently insufficient to determine the role of this variant in disease. Therefore, it has been classified as a Variant of Uncertain Significance.

NM_001382273.1(TNK2):c.1372C>G (p.Leu458Val)

Gene: TNK2 (tyrosine kinase non receptor 2; minus strand). Cytogenetic location: 3q29.
Variant type: single nucleotide variant.
Coding change: c.1372C>G on transcript NM_001382273.1 (MANE Select); coding-DNA position 1372, C replaced by G.
Protein change: p.Leu458Val; replaces leucine 458 with valine.
Molecular consequence: missense variant. On other transcripts: non-coding transcript variant (15).
Genome position (GRCh38, 1-based): chr3:195,872,355, G>C on the plus strand (C>G on the coding strand, the complement: TNK2 is on the minus strand). VCF-style: chr3-195872355-G-C. GRCh37 (hg19) VCF-style: chr3-195599226-G-C.
Other names: c.1444C>G, p.Leu482Val (NM_001010938.2, NM_001382272.1, NM_001387708.1 and 1 more transcripts); c.1468C>G, p.Leu490Val (NM_001308046.2, NM_001382271.1, NM_001382275.1 and 1 more transcripts); c.1372C>G, p.Leu458Val (NM_001382274.1, NM_001386164.1, NM_001387709.1 and 12 more transcripts); short protein forms L458V, L482V, L490V.
Identifiers: ClinVar variation 3603561 (VCV003603561.2).
Genomic context (GRCh38, chr3:195,872,355, plus strand): 5'-AGCCCCAGCAGTGGCGGGGGTCACTGTCGCCATGCCCTGTGTGGATGAAGCTGTTCTGCA[G>C]GGGCTGGCTGATGTCCTGGGCCGACAGGCCGGCCACGGAGGTCACCACGTTGCGAGGGAA-3'
Protein context (NP_001369202.1, residues 448-468): GLSAQDISQP[Leu458Val]QNSFIHTGHG